The following is an entry in ClinVar:

NM_001851.6(COL9A1):c.1872+78T>C

Gene: COL9A1 (collagen type IX alpha 1 chain; minus strand). Cytogenetic location: 6q13.
Variant type: single nucleotide variant.
Coding change: c.1872+78T>C on transcript NM_001851.6 (MANE Select); 78 bases into the intron after coding-DNA position 1872, T replaced by C.
Molecular consequence: intron variant.
Genome position (GRCh38, 1-based): chr6:70,252,042, A>G on the plus strand (T>C on the coding strand, the complement: COL9A1 is on the minus strand). VCF-style: chr6-70252042-A-G. GRCh37 (hg19) VCF-style: chr6-70961745-A-G.
Other names: c.1143+78T>C (NM_001377290.1, NM_078485.4); c.1173+78T>C (NM_001377289.1).
Identifiers: ClinVar variation 677932 (VCV000677932.1), dbSNP rs2274586, ClinGen allele CA12327130.
Genomic context (GRCh38, chr6:70,252,042, plus strand): 5'-TTCATCTCCTTGTGTGTCTTGGACTAGCATGGGCTCAAACATCAGACAGCATTCATGGAT[A>G]GATGGATGAATGAATGGAAGAACATCCAGCAAAGTCCTGAGAAGGTGCTTTAGGAAAGAA-3'

ClinVar aggregate classification (germline): Benign (1 of 4 stars; one submission).

Allele frequency attached by ClinVar (database versions not stated): gnomAD exomes 0.21023; gnomAD 0.22382 and 0.22415; TOPMed 0.22699; 1000 Genomes Project 30x 0.23938; 1000 Genomes Project 0.24042.
gnomAD v4.1: 298,702 of 1,408,334 alleles (21%); highest among the groups gnomAD compares: East Asian, 27%; 32,271 homozygotes.

Submission:

GeneDx
Classification: Benign. Last evaluated: 2018-06-14. Review status: criteria provided, single submitter. Criteria: GeneDx Variant Classification (06012015). Collection method: clinical testing. Allele origin: germline. Affected: yes.
Comment: This variant is considered likely benign or benign based on one or more of the following criteria: it is a conservative change, it occurs at a poorly conserved position in the protein, it is predicted to be benign by multiple in silico algorithms, and/or has population frequency not consistent with disease.